The following is an entry in ClinVar:

ClinVar aggregate classification (germline): Likely pathogenic (1 of 4 stars; one submission).

Conditions:
Abetalipoproteinaemia (ABL). Also called: Abetalipoproteinemia; Abetalipoproteinemia neuropathy; Apolipoprotein B deficiency; Congenital betalipoprotein deficiency syndrome; MTP DEFICIENCY. Identifiers: Orphanet 14, MedGen C0000744, MONDO:0008692, OMIM 200100, HP:0008181.

Submission:

Myriad Genetics, Inc.
Classification: Likely pathogenic for Abetalipoproteinaemia. Last evaluated: 2022-03-30. Review status: criteria provided, single submitter. Criteria: Myriad Women's Health Autosomal Recessive and X-Linked Classification Criteria (2021). Collection method: clinical testing. Allele origin: unknown.
Comment: NM_000253.2(MTTP):c.1646delA(N549Ifs*23) is expected to be pathogenic in the context of abetalipoproteinemia. This variant is predicted to lead to an abnormal or absent protein product due to the creation of a premature termination codon in MTTP, a gene where loss-of-function variants are known to be pathogenic. Please note: this variant was assessed in the context of healthy population screening.

NM_001386140.1(MTTP):c.1646del (p.Asn549fs)

Gene: MTTP (microsomal triglyceride transfer protein; plus strand). Cytogenetic location: 4q23.
Variant type: Deletion.
Coding change: c.1646del on transcript NM_001386140.1 (MANE Select); coding-DNA position 1646, one base deleted (A; older notation c.1646delA).
Protein change: p.Asn549fs; shifts the reading frame from asparagine 549.
Molecular consequence: frameshift variant.
Genome position (GRCh38, 1-based): chr4:99,608,854, A deleted; the last of 3 consecutive A bases (chr4:99,608,852-99,608,854); deleting any one gives the same sequence. VCF-style (leftmost placement, unchanged base first): chr4-99608851-TA-T. GRCh37 (hg19) VCF-style: chr4-100530008-TA-T.
Other names: c.1646del, p.Asn549fs (NM_000253.4); c.1397del, p.Asn466fs (NM_001300785.2); short protein forms N466fs, N549fs.
Identifiers: ClinVar variation 1725587 (VCV001725587.2), dbSNP rs2476141442, ClinGen allele CA2580071900.